The following is an entry in ClinVar:

ClinVar aggregate classification (germline): Uncertain significance (1 of 4 stars; one submission).

Conditions:
KDM5C-related disorder. Also called: KDM5C-related condition.

Submission:

PreventionGenetics, part of Exact Sciences
Classification: Uncertain significance for KDM5C-related condition. Last evaluated: 2025-01-02. Review status: criteria provided, single submitter. Criteria: ACMG Guidelines, 2015. Collection method: clinical testing. Allele origin: germline.
Comment: The KDM5C c.2699T>C variant is predicted to result in the amino acid substitution p.Leu900Pro. To our knowledge, this variant has not been reported in the literature or in a large population database (gnomAD), indicating this variant is rare. At this time, the clinical significance of this variant is uncertain due to the absence of conclusive functional and genetic evidence.

NM_004187.5(KDM5C):c.2699T>C (p.Leu900Pro)

Gene: KDM5C (lysine demethylase 5C; minus strand). Cytogenetic location: Xp11.22.
Variant type: single nucleotide variant.
Coding change: c.2699T>C on transcript NM_004187.5 (MANE Select); coding-DNA position 2699, T replaced by C.
Protein change: p.Leu900Pro; replaces leucine 900 with proline.
Molecular consequence: missense variant. On other transcripts: non-coding transcript variant (3).
Genome position (GRCh38, 1-based): chrX:53,196,968, A>G on the plus strand (T>C on the coding strand, the complement: KDM5C is on the minus strand). VCF-style: chrX-53196968-A-G. GRCh37 (hg19) VCF-style: chrX-53226150-A-G.
Other names: c.2498T>C, p.Leu833Pro (NM_001146702.2); c.2696T>C, p.Leu899Pro (NM_001282622.3, NM_001353979.2, NM_001353982.2); c.2699T>C, p.Leu900Pro (NM_001353978.3, NM_001353981.2, NM_001353984.2); short protein forms L833P, L899P, L900P.
Identifiers: ClinVar variation 4997800 (VCV004997800.1).